The following is an entry in ClinVar:

ClinVar aggregate classification (germline): Benign/Likely benign. Review status: criteria provided, multiple submitters, no conflicts (2 of 4 stars). 4 submissions from 4 submitters: Benign (1); Likely benign (3). Last evaluated 2026-09-23.

Conditions:
Huntington disease (HD). Also called: Huntington's chorea; Huntington's disease; HUNTINGTON CHOREA. Identifiers: Orphanet 248111, Orphanet 399, MedGen C0020179, MONDO:0007739, OMIM 143100.

Submissions (4):

Department Of Human Genetics, Institute Of Clinical And Translational Research, Biomedical Research Center, Slovak Academy Of Sciences
Classification: Benign for Huntington disease. Last evaluated: 2026-09-23. Review status: criteria provided, single submitter. Criteria: ACMG Guidelines for Huntington disease, 2014. Collection method: research. Allele origin: germline. Inheritance: Autosomal dominant inheritance.
Comment: The NC_000004.12.g.3074878_3074940AGC[12]AAC[1]AGC[1] allele represents a complex trinucleotide repeat sequence in the HTT (huntingtin) gene. The repeat tract consists of 12 consecutive AGC repeats, followed by one AAC repeat and one additional AGC repeat. This sequence corresponds to 12 uninterrupted glutamine-encoding units or 14 interrupted glutamine-encoding repeat units (this count the AAC interruption and the additional AGC to the total number of repeats on the DNA level, while all resulting in glutamine residues at the protein level). Huntington disease (HD) is an autosomal dominant neurodegenerative disorder caused by an expansion of the CAG trinucleotide repeat in exon 1 of the HTT gene. HTT alleles containing 26 or fewer CAG repeats are considered within the normal range, whereas alleles containing 27–35 repeats are classified as intermediate/premutation, 36-39 repeats as reduced-penetrance pathogenic alleles, and 40 or more repeats as full-penetrance pathogenic alleles. This allele falls into the benign range both when considering the 12 uninterrupted as well as the 14 interrupted glutamine-encoding repeats. The allele reached 0.49% frequency in the general population of Slovakia (in 609 genotyped alleles).

CeGaT Center for Human Genetics Tuebingen
Classification: Likely benign. Last evaluated: 2026-07-01. Review status: criteria provided, single submitter. Criteria: CeGaT Center For Human Genetics Tuebingen Variant Classification Criteria Version 2. Collection method: clinical testing. Allele origin: germline. Affected: yes. Observed: 5 variant alleles.
Comment: HTT: BS2

Laboratory of Genetics, Children's Clinical University Hospital Latvia
Classification: Likely benign. Last evaluated: 2025-02-16. Review status: criteria provided, single submitter. Criteria: ACMG Guidelines, 2015. Collection method: clinical testing. Allele origin: germline. Affected: yes.

Blueprint Genetics
Classification: Likely benign. Last evaluated: 2024-11-26. Review status: criteria provided, single submitter. Criteria: ACMG Guidelines, 2015. Collection method: clinical testing. Allele origin: germline.

NM_001388492.1(HTT):c.54GCA[14] (p.Gln34_Gln38del)

Genes: HTT (huntingtin; plus strand), LOC109461479 (huntingtin repeat instability region; plus strand), LOC129929027 (ATAC-STARR-seq lymphoblastoid silent region 15199; plus strand). Cytogenetic location: 4p16.3.
Variant type: Microsatellite.
Coding change: c.54GCA[14] on transcript NM_001388492.1 (MANE Select); 14 copies in a row of the 3-base unit GCA starting at c.54.
Protein change: p.Gln34_Gln38del.
Genome position: GRCh38 VCF-style: chr4-3074876-CCAGCAGCAGCAGCAGCAGCAG-C. GRCh37 (hg19) VCF-style: chr4-3076603-CCAGCAGCAGCAGCAGCAGCAG-C.
Other names: c.54GCA[14], p.Gln34_Gln40del (NM_002111.8).
Identifiers: ClinVar variation 3770743 (VCV003770743.16).